The following is an entry in ClinVar:

NM_000455.5(STK11):c.1273C>A (p.Arg425Ser)

Gene: STK11 (serine/threonine kinase 11; plus strand). Cytogenetic location: 19p13.3.
Variant type: single nucleotide variant.
Coding change: c.1273C>A on transcript NM_000455.5 (MANE Select); coding-DNA position 1273, C replaced by A.
Protein change: p.Arg425Ser; replaces arginine 425 with serine.
Molecular consequence: missense variant.
Genome position (GRCh38, 1-based): chr19:1,226,618, C>A. VCF-style: chr19-1226618-C-A. GRCh37 (hg19) VCF-style: chr19-1226617-C-A.
Other names: short protein forms R425S.
Identifiers: ClinVar variation 485004 (VCV000485004.16), dbSNP rs754853898, ClinGen allele CA046228.

ClinVar aggregate classification (germline): Uncertain significance. Review status: criteria provided, multiple submitters, no conflicts (2 of 4 stars). 3 submissions from 3 submitters: Uncertain significance (3). Last evaluated 2025-07-13.

Conditions:
Hereditary cancer-predisposing syndrome. Also called: Hereditary neoplastic syndrome; Neoplastic Syndromes, Hereditary; Tumor predisposition; Hereditary Cancer Syndrome. Identifiers: Orphanet 140162, MedGen C0027672, MeSH D009386, MONDO:0015356.
Peutz-Jeghers syndrome (PJS). Also called: POLYPOSIS, HAMARTOMATOUS INTESTINAL; POLYPS-AND-SPOTS SYNDROME; Peutz-Jeghers polyposis; Periorificial lentiginosis syndrome. Identifiers: Orphanet 2869, MedGen C0031269, MeSH D010580, MONDO:0008280, OMIM 175200.

Allele frequency attached by ClinVar (database versions not stated): ExAC below 0.00001.
gnomAD v4.1: 1 of 1,548,540 alleles (0.000065%); highest among the groups gnomAD compares: Non-Finnish European, 0.000087%; no homozygotes.

Submissions (3):

Labcorp Genetics (formerly Invitae), Labcorp
Classification: Uncertain significance for Peutz-Jeghers syndrome. Last evaluated: 2025-07-13. Review status: criteria provided, single submitter. Criteria: Invitae Variant Classification Sherloc (09022015). Collection method: clinical testing. Allele origin: germline.
Comment: This sequence change replaces arginine, which is basic and polar, with serine, which is neutral and polar, at codon 425 of the STK11 protein (p.Arg425Ser). This variant is not present in population databases (gnomAD no frequency). This variant has not been reported in the literature in individuals affected with STK11-related conditions. ClinVar contains an entry for this variant (Variation ID: 485004). Invitae Evidence Modeling of protein sequence and biophysical properties (such as structural, functional, and spatial information, amino acid conservation, physicochemical variation, residue mobility, and thermodynamic stability) indicates that this missense variant is not expected to disrupt STK11 protein function with a negative predictive value of 95%. In summary, the available evidence is currently insufficient to determine the role of this variant in disease. Therefore, it has been classified as a Variant of Uncertain Significance.

Ambry Genetics
Classification: Uncertain significance for Hereditary cancer-predisposing syndrome. Last evaluated: 2023-06-13. Review status: criteria provided, single submitter. Criteria: Ambry Variant Classification Scheme 2023. Collection method: clinical testing. Allele origin: germline.
Comment: The p.R425S variant (also known as c.1273C>A), located in coding exon 9 of the STK11 gene, results from a C to A substitution at nucleotide position 1273. The arginine at codon 425 is replaced by serine, an amino acid with dissimilar properties. This amino acid position is highly conserved in available vertebrate species. In addition, the in silico prediction for this alteration is inconclusive. Since supporting evidence is limited at this time, the clinical significance of this alteration remains unclear.

Genome-Nilou Lab
Classification: Uncertain significance for Peutz-Jeghers syndrome. Last evaluated: 2021-07-15. Review status: criteria provided, single submitter. Criteria: ACMG Guidelines, 2015. Collection method: clinical testing. Allele origin: germline. Affected: no.